The following is an entry in ClinVar:

ClinVar aggregate classification (germline): Uncertain significance. Review status: criteria provided, multiple submitters, no conflicts (2 of 4 stars). 3 submissions from 3 submitters: Uncertain significance (3). Last evaluated 2024-08-19.

Conditions:
Familial hypercholesterolemia. Also called: Familial hypercholesterolemias; Familial hypercholesterolaemia. Identifiers: MedGen C0020445, MONDO:0005439.
Hypercholesterolemia, autosomal dominant, 3 (FHCL3). Also called: Familial Hypercholesterolemia, Autosomal Dominant, 3; PCSK9-Related Familial Hypercholesterolemia, Autosomal Dominant; Familial hypercholesterolemia 3. Identifiers: MedGen C1863551, MONDO:0011369, OMIM 603776.
Cardiovascular phenotype. Identifiers: MedGen CN230736.

Allele frequency attached by ClinVar (database versions not stated): TOPMed below 0.00001; gnomAD exomes 0.00001.
gnomAD v4.1: 3 of 1,614,202 alleles (0.00019%); highest among the groups gnomAD compares: Admixed American, 0.005%; no homozygotes.

Submissions (3):

Ambry Genetics
Classification: Uncertain significance for Cardiovascular phenotype. Last evaluated: 2024-08-19. Review status: criteria provided, single submitter. Criteria: Ambry Variant Classification Scheme 2023. Collection method: clinical testing. Allele origin: germline.
Comment: The p.S91A variant (also known as c.271T>G), located in coding exon 2 of the PCSK9 gene, results from a T to G substitution at nucleotide position 271. The serine at codon 91 is replaced by alanine, an amino acid with similar properties. This amino acid position is conserved. In addition, this alteration is predicted to be tolerated by in silico analysis. Based on the available evidence, the clinical significance of this variant remains unclear.

All of Us Research Program, National Institutes of Health
Classification: Uncertain significance for Hypercholesterolemia, autosomal dominant, 3. Last evaluated: 2024-03-24. Review status: criteria provided, single submitter. Criteria: ACMG Guidelines, 2015. Collection method: clinical testing. Allele origin: germline. Inheritance: Autosomal dominant inheritance. Observed: 1 variant allele, 1 heterozygote.
Comment: This missense variant replaces serine with alanine at codon 91 of the PCSK9 protein. Computational prediction suggests that this variant may not impact protein structure and function (internally defined REVEL score threshold <= 0.5, PMID: 27666373). To our knowledge, functional studies have not been reported for this variant. This variant has not been reported in individuals affected with PCSK9-related disorders in the literature. This variant has been identified in 1/251234 chromosomes in the general population by the Genome Aggregation Database (gnomAD). The available evidence is insufficient to determine the role of this variant in disease conclusively. Therefore, this variant is classified as a Variant of Uncertain Significance.

This study involves interpretation of variants in research participants for the purpose of population health screening. Participant phenotype was not available at the time of variant classification. Additional details can be found in publication PMID: 35346344, PMCID: PMC8962531

Color Diagnostics, LLC DBA Color Health
Classification: Uncertain significance for Familial hypercholesterolemia. Last evaluated: 2024-03-13. Review status: criteria provided, single submitter. Criteria: ACMG Guidelines, 2015. Collection method: clinical testing. Allele origin: germline.
Comment: This missense variant replaces serine with alanine at codon 91 of the PCSK9 protein. Computational prediction suggests that this variant may not impact protein structure and function (internally defined REVEL score threshold <= 0.5, PMID: 27666373). To our knowledge, functional studies have not been reported for this variant. This variant has not been reported in individuals affected with PCSK9-related disorders in the literature. This variant has been identified in 1/251234 chromosomes in the general population by the Genome Aggregation Database (gnomAD). The available evidence is insufficient to determine the role of this variant in disease conclusively. Therefore, this variant is classified as a Variant of Uncertain Significance.

NM_174936.4(PCSK9):c.271T>G (p.Ser91Ala)

Gene: PCSK9 (proprotein convertase subtilisin/kexin type 9; plus strand). Cytogenetic location: 1p32.3.
Variant type: single nucleotide variant.
Coding change: c.271T>G on transcript NM_174936.4 (MANE Select); coding-DNA position 271, T replaced by G.
Protein change: p.Ser91Ala; replaces serine 91 with alanine.
Molecular consequence: missense variant. On other transcripts: 5 prime UTR variant (1), non-coding transcript variant (6), intron variant (1).
Genome position (GRCh38, 1-based): chr1:55,043,906, T>G. VCF-style: chr1-55043906-T-G. GRCh37 (hg19) VCF-style: chr1-55509579-T-G.
Other names: c.394T>G, p.Ser132Ala (NM_001407240.1); c.271T>G, p.Ser91Ala (NM_001407241.1, NM_001407242.1, NM_001407243.1 and 2 more transcripts); c.-105T>G (NM_001407246.1); c.208-2617T>G (NM_001407245.1); short protein forms S132A, S91A.
Identifiers: ClinVar variation 2774036 (VCV002774036.4), dbSNP rs1469195933, ClinGen allele CA340483642.
Genomic context (GRCh38, chr1:55,043,906, plus strand): 5'-CCGTGGAGGTTGCCTGGCACCTACGTGGTGGTGCTGAAGGAGGAGACCCACCTCTCGCAG[T>G]CAGAGCGCACTGCCCGCCGCCTGCAGGCCCAGGCTGCCCGCCGGGGATACCTCACCAAGA-3'
Protein context (NP_777596.2, residues 81-101): VLKEETHLSQ[Ser91Ala]ERTARRLQAQ